The following is an entry in ClinVar:

NM_001079843.3(CASZ1):c.741G>C (p.Lys247Asn)

Gene: CASZ1 (castor zinc finger 1; minus strand). Cytogenetic location: 1p36.22.
Variant type: single nucleotide variant.
Coding change: c.741G>C on transcript NM_001079843.3 (MANE Select); coding-DNA position 741, G replaced by C.
Protein change: p.Lys247Asn; replaces lysine 247 with asparagine.
Molecular consequence: missense variant.
Genome position (GRCh38, 1-based): chr1:10,660,301, C>G on the plus strand (G>C on the coding strand, the complement: CASZ1 is on the minus strand). VCF-style: chr1-10660301-C-G. GRCh37 (hg19) VCF-style: chr1-10720358-C-G.
Other names: c.741G>C, p.Lys247Asn (NM_017766.5); short protein forms K247N.
Identifiers: ClinVar variation 2016556 (VCV002016556.4), dbSNP rs2522213347, ClinGen allele CA338377416.

ClinVar aggregate classification (germline): Uncertain significance (1 of 4 stars; one submission).

Submission:

Labcorp Genetics (formerly Invitae), Labcorp
Classification: Uncertain significance. Last evaluated: 2022-07-13. Review status: criteria provided, single submitter. Criteria: Invitae Variant Classification Sherloc (09022015). Collection method: clinical testing. Allele origin: germline.
Comment: This sequence change replaces lysine, which is basic and polar, with asparagine, which is neutral and polar, at codon 247 of the CASZ1 protein (p.Lys247Asn). This variant is not present in population databases (gnomAD no frequency). This variant has not been reported in the literature in individuals affected with CASZ1-related conditions. Algorithms developed to predict the effect of missense changes on protein structure and function are either unavailable or do not agree on the potential impact of this missense change (SIFT: "Deleterious"; PolyPhen-2: "Probably Damaging"; Align-GVGD: "Class C0"). In summary, the available evidence is currently insufficient to determine the role of this variant in disease. Therefore, it has been classified as a Variant of Uncertain Significance.